The following is an entry in ClinVar:

NM_002303.6(LEPR):c.3240A>C (p.Leu1080Phe)

Gene: LEPR (leptin receptor; plus strand). Cytogenetic location: 1p31.3.
Variant type: single nucleotide variant.
Coding change: c.3240A>C on transcript NM_002303.6 (MANE Select); coding-DNA position 3240, A replaced by C.
Protein change: p.Leu1080Phe; replaces leucine 1080 with phenylalanine.
Molecular consequence: missense variant.
Genome position (GRCh38, 1-based): chr1:65,636,757, A>C. VCF-style: chr1-65636757-A-C. GRCh37 (hg19) VCF-style: chr1-66102440-A-C.
Other names: short protein forms L1080F.
Identifiers: ClinVar variation 2502246 (VCV002502246.2), dbSNP rs1231351538, ClinGen allele CA340690160.
Genomic context (GRCh38, chr1:65,636,757, plus strand): 5'-TTTGAAATTGGAGGGAAATTTCCCTGAAGAAAATAATGATAAAAAGTCTATCTATTATTT[A>C]GGGGTCACCTCAATCAAAAAGAGAGAGAGTGGTGTGCTTTTGACTGACAAGTCAAGGGTA-3'
Protein context (NP_002294.2, residues 1070-1090): ENNDKKSIYY[Leu1080Phe]GVTSIKKRES

ClinVar aggregate classification (germline): Uncertain significance. Review status: criteria provided, single submitter (1 of 4 stars). 2 submissions from 2 submitters: Uncertain significance (1). 1 of the submissions does not count toward it. Last evaluated 2022-03-25.

Conditions:
LEPR-related disorder. Also called: LEPR-related disorders; LEPR-related condition.
Obesity due to leptin receptor gene deficiency. Identifiers: Orphanet 179494, MedGen C3554225, MONDO:0013992, OMIM 614963.

Allele frequency attached by ClinVar (database versions not stated): gnomAD exomes below 0.00001; TOPMed below 0.00001; gnomAD 0.00001.
gnomAD v4.1: 2 of 1,613,820 alleles (0.00012%); highest among the groups gnomAD compares: Non-Finnish European, 0.00017%; no homozygotes.

Submissions (2):

New York Genome Center
Classification: Uncertain significance for Obesity due to leptin receptor gene deficiency. Last evaluated: 2022-03-25. Review status: criteria provided, single submitter. Criteria: NYGC Assertion Criteria 2020. Collection method: clinical testing. Allele origin: germline. Observed: 1 heterozygote.

PreventionGenetics, part of Exact Sciences
Classification: Uncertain significance for LEPR-related condition. Last evaluated: 2024-05-08. Review status: no assertion criteria provided. Collection method: clinical testing. Allele origin: germline. Not counted in ClinVar's aggregate classification.
Comment: The LEPR c.3240A>C variant is predicted to result in the amino acid substitution p.Leu1080Phe. This variant was observed in a cohort of individuals with obesity, and in vitro functional studies showed function similar to wild-type levels (Supplemental Data Set, Shah et al. 2023. PubMed ID: 36864747). This variant has not been reported in a large population database, indicating this variant is rare. At this time, the clinical significance of this variant is uncertain due to the absence of conclusive functional and genetic evidence.